The following is an entry in ClinVar:

NM_004006.3(DMD):c.3647T>C (p.Leu1216Pro)

Gene: DMD (dystrophin; minus strand). Cytogenetic location: Xp21.1.
Variant type: single nucleotide variant.
Coding change: c.3647T>C on transcript NM_004006.3 (MANE Select); coding-DNA position 3647, T replaced by C.
Protein change: p.Leu1216Pro; replaces leucine 1216 with proline.
Molecular consequence: missense variant.
Genome position (GRCh38, 1-based): chrX:32,448,595, A>G on the plus strand (T>C on the coding strand, the complement: DMD is on the minus strand). VCF-style: chrX-32448595-A-G. GRCh37 (hg19) VCF-style: chrX-32466712-A-G.
Other names: c.3623T>C, p.Leu1208Pro (NM_000109.4); c.3635T>C, p.Leu1212Pro (NM_004009.3); c.3278T>C, p.Leu1093Pro (NM_004010.3); short protein forms L1216P, L1093P, L1208P, L1212P.
Identifiers: ClinVar variation 568272 (VCV000568272.9), dbSNP rs1569562944, ClinGen allele CA412662198.
Genomic context (GRCh38, chrX:32,448,595, plus strand): 5'-AAGGCCTCTTGTGCTACAGGTGGAGCTTGAGCTATGACACTATTTACAGACTCAGTAAGG[A>G]GTTTCACTTTCGCTTCTTTTTGTTGGGCCTCTTCTTTAGCTCTCTGAAAAATAAAGAATG-3'
Protein context (NP_003997.2, residues 1206-1226): EAQQKEAKVK[Leu1216Pro]LTESVNSVIA

ClinVar aggregate classification (germline): Uncertain significance (1 of 4 stars; one submission).

Conditions:
Duchenne muscular dystrophy (DMD). Also called: Duchenne Muscular Dystrophy (DMD); MUSCULAR DYSTROPHY, PSEUDOHYPERTROPHIC PROGRESSIVE, DUCHENNE TYPE. Identifiers: Orphanet 98896, MedGen C0013264, MONDO:0010679, OMIM 310200.

Submission:

Labcorp Genetics (formerly Invitae), Labcorp
Classification: Uncertain significance for Duchenne muscular dystrophy. Last evaluated: 2018-06-24. Review status: criteria provided, single submitter. Criteria: Invitae Variant Classification Sherloc (09022015). Collection method: clinical testing. Allele origin: germline.
Comment: In summary, the available evidence is currently insufficient to determine the role of this variant in disease. Therefore, it has been classified as a Variant of Uncertain Significance. Algorithms developed to predict the effect of missense changes on protein structure and function (SIFT, PolyPhen-2, Align-GVGD) all suggest that this variant is likely to be tolerated, but these predictions have not been confirmed by published functional studies and their clinical significance is uncertain. This variant has not been reported in the literature in individuals with DMD-related disease. This variant is not present in population databases (ExAC no frequency). This sequence change replaces leucine with proline at codon 1216 of the DMD protein (p.Leu1216Pro). The leucine residue is highly conserved and there is a moderate physicochemical difference between leucine and proline.